The following is an entry in ClinVar:

NM_000465.4(BARD1):c.1129G>C (p.Gly377Arg)

Gene: BARD1 (BRCA1 associated RING domain 1; minus strand). Cytogenetic location: 2q35.
Variant type: single nucleotide variant.
Coding change: c.1129G>C on transcript NM_000465.4 (MANE Select); coding-DNA position 1129, G replaced by C.
Protein change: p.Gly377Arg; replaces glycine 377 with arginine.
Molecular consequence: missense variant. On other transcripts: non-coding transcript variant (2), intron variant (3).
Genome position (GRCh38, 1-based): chr2:214,780,745, C>G on the plus strand (G>C on the coding strand, the complement: BARD1 is on the minus strand). VCF-style: chr2-214780745-C-G. GRCh37 (hg19) VCF-style: chr2-215645469-C-G.
Other names: c.1129G>C (NM_000465.2); c.1072G>C, p.Gly358Arg (NM_001282543.2); c.159-28190G>C (NM_001282548.2); c.215+16316G>C (NM_001282545.2); c.364+11552G>C (NM_001282549.2); short protein forms G358R, G377R.
Identifiers: ClinVar variation 951828 (VCV000951828.11), dbSNP rs1694958957, ClinGen allele CA350454003.

ClinVar aggregate classification (germline): Uncertain significance. Review status: criteria provided, multiple submitters, no conflicts (2 of 4 stars). 2 submissions from 2 submitters: Uncertain significance (2). Last evaluated 2026-02-11.

Conditions:
Hereditary cancer-predisposing syndrome. Also called: Tumor predisposition; Hereditary neoplastic syndrome; Hereditary Cancer Syndrome; Neoplastic Syndromes, Hereditary. Identifiers: Orphanet 140162, MedGen C0027672, MeSH D009386, MONDO:0015356.
Familial cancer of breast. Also called: BREAST CANCER, FAMILIAL; Hereditary breast cancer; hereditary breast carcinoma. Identifiers: Orphanet 227535, MedGen C0346153, MONDO:0016419, OMIM 114480. Disease mechanism: loss of function.

Submissions (2):

Ambry Genetics
Classification: Uncertain significance for Hereditary cancer-predisposing syndrome. Last evaluated: 2026-02-11. Review status: criteria provided, single submitter. Criteria: Ambry Variant Classification Scheme 2023. Collection method: clinical testing. Allele origin: germline.
Comment: The p.G377R variant (also known as c.1129G>C), located in coding exon 4 of the BARD1 gene, results from a G to C substitution at nucleotide position 1129. The glycine at codon 377 is replaced by arginine, an amino acid with dissimilar properties. This amino acid position is not well conserved in available vertebrate species, and arginine is the reference amino acid in other vertebrate species. In addition, this alteration is predicted to be tolerated by in silico analysis. Based on the available evidence, the clinical significance of this variant remains unclear.

Labcorp Genetics (formerly Invitae), Labcorp
Classification: Uncertain significance for Familial cancer of breast. Last evaluated: 2023-06-13. Review status: criteria provided, single submitter. Criteria: Invitae Variant Classification Sherloc (09022015). Collection method: clinical testing. Allele origin: germline.
Comment: In summary, the available evidence is currently insufficient to determine the role of this variant in disease. Therefore, it has been classified as a Variant of Uncertain Significance. Algorithms developed to predict the effect of missense changes on protein structure and function output the following: SIFT: "Not Available"; PolyPhen-2: "Benign"; Align-GVGD: "Not Available". The arginine amino acid residue is found in multiple mammalian species, which suggests that this missense change does not adversely affect protein function. ClinVar contains an entry for this variant (Variation ID: 951828). This variant has not been reported in the literature in individuals affected with BARD1-related conditions. This variant is not present in population databases (gnomAD no frequency). This sequence change replaces glycine, which is neutral and non-polar, with arginine, which is basic and polar, at codon 377 of the BARD1 protein (p.Gly377Arg).